The following is an entry in ClinVar:

NM_000388.4(CASR):c.2355C>T (p.Ala785=)

Gene: CASR (calcium sensing receptor; plus strand). Cytogenetic location: 3q21.1.
Variant type: single nucleotide variant.
Coding change: c.2355C>T on transcript NM_000388.4 (MANE Select); coding-DNA position 2355, C replaced by T.
Protein change: p.Ala785=; no amino-acid change (alanine 785 retained).
Molecular consequence: synonymous variant.
Genome position (GRCh38, 1-based): chr3:122,284,309, C>T. VCF-style: chr3-122284309-C-T. GRCh37 (hg19) VCF-style: chr3-122003156-C-T.
Other names: c.2385C>T (NM_001178065.1); c.2385C>T, p.Ala795= (NM_001178065.2).
Identifiers: ClinVar variation 752252 (VCV000752252.12), dbSNP rs1472693542, ClinGen allele CA435425113.
Genomic context (GRCh38, chr3:122,284,309, plus strand): 5'-CCACGAGGGCTCCCTCATGGCCCTGGGCTTCCTGATCGGCTACACCTGCCTGCTGGCTGC[C>T]ATCTGCTTCTTCTTTGCCTTCAAGTCCCGGAAGCTGCCGGAGAACTTCAATGAAGCCAAG-3'
Protein context (NP_000379.3, residues 775-795): FLIGYTCLLA[Ala785=]ICFFFAFKSR

ClinVar aggregate classification (germline): Likely benign. Review status: criteria provided, multiple submitters, no conflicts (2 of 4 stars). 3 submissions from 3 submitters: Likely benign (2). 1 of the submissions does not count toward it. Last evaluated 2025-09-04.

Conditions:
Nephrolithiasis/nephrocalcinosis. Identifiers: MedGen CN580796.
Familial hypocalciuric hypercalcemia (FHH). Also called: Familial benign hypercalcemia. Identifiers: Orphanet 405, MedGen C1809471, MONDO:0018458.
Autosomal dominant hypocalcemia 1 (HYPOC1). Also called: HYPOCALCEMIA, FAMILIAL. Identifiers: MedGen C3715128, MONDO:0011013, OMIM 601198.
CASR-related disorder. Also called: CASR-related condition.

Allele frequency attached by ClinVar (database versions not stated): TOPMed 0.00003; gnomAD exomes below 0.00001; gnomAD 0.00001.
gnomAD v4.1: 3 of 1,614,030 alleles (0.00019%); highest among the groups gnomAD compares: Admixed American, 0.0017%; no homozygotes.

Submissions (3):

Labcorp Genetics (formerly Invitae), Labcorp
Classification: Likely benign for Familial hypocalciuric hypercalcemia; Autosomal dominant hypocalcemia 1. Last evaluated: 2025-09-04. Review status: criteria provided, single submitter. Criteria: Invitae Variant Classification Sherloc (09022015). Collection method: clinical testing. Allele origin: germline.

Ambry Genetics
Classification: Likely benign for Nephrolithiasis/nephrocalcinosis. Last evaluated: 2022-04-24. Review status: criteria provided, single submitter. Criteria: Ambry Variant Classification Scheme 2023. Collection method: clinical testing. Allele origin: germline.

PreventionGenetics, part of Exact Sciences
Classification: Likely benign for CASR-related condition. Last evaluated: 2023-07-27. Review status: no assertion criteria provided. Collection method: clinical testing. Allele origin: germline. Not counted in ClinVar's aggregate classification.
Comment: This variant is classified as likely benign based on ACMG/AMP sequence variant interpretation guidelines (Richards et al. 2015 PMID: 25741868, with internal and published modifications).